The following is an entry in ClinVar:

NM_020442.6(VARS2):c.1646G>A (p.Cys549Tyr)

Gene: VARS2 (valyl-tRNA synthetase 2, mitochondrial; plus strand). Cytogenetic location: 6p21.33.
Variant type: single nucleotide variant.
Coding change: c.1646G>A on transcript NM_020442.6 (MANE Select); coding-DNA position 1646, G replaced by A.
Protein change: p.Cys549Tyr; replaces cysteine 549 with tyrosine.
Molecular consequence: missense variant.
Genome position (GRCh38, 1-based): chr6:30,921,602, G>A. VCF-style: chr6-30921602-G-A. GRCh37 (hg19) VCF-style: chr6-30889379-G-A.
Other names: c.1226G>A, p.Cys409Tyr (NM_001167733.3); c.1736G>A, p.Cys579Tyr (NM_001167734.2); short protein forms C409Y, C549Y, C579Y.
Identifiers: ClinVar variation 1901911 (VCV001901911.6), dbSNP rs1197313244, ClinGen allele CA363173821.
Genomic context (GRCh38, chr6:30,921,602, plus strand): 5'-GTCAGCTGTTCTTCCTCACTCTCCCCAACCCCTTCCTACTTTTGCAGGGAGAAGAGGACT[G>A]TTGGGTGGTTGGGCGGTCAGAGGCTGAGGCCAGAGAGGTAGCAGCGGAACTGACAGGGAG-3'
Protein context (NP_065175.4, residues 539-559): VEDHAQGEED[Cys549Tyr]WVVGRSEAEA

ClinVar aggregate classification (germline): Uncertain significance. Review status: criteria provided, multiple submitters, no conflicts (2 of 4 stars). 2 submissions from 2 submitters: Uncertain significance (2). Last evaluated 2022-08-09.

Conditions:
Inborn genetic diseases. Identifiers: MedGen C0950123, MeSH D030342.

Allele frequency attached by ClinVar (database versions not stated): gnomAD 0.00001; TOPMed 0.00001.
gnomAD v4.1: 3 of 1,606,908 alleles (0.00019%); highest among the groups gnomAD compares: Admixed American, 0.0034%; no homozygotes.

Submissions (2):

Labcorp Genetics (formerly Invitae), Labcorp
Classification: Uncertain significance. Last evaluated: 2022-08-09. Review status: criteria provided, single submitter. Criteria: Invitae Variant Classification Sherloc (09022015). Collection method: clinical testing. Allele origin: germline.
Comment: This sequence change replaces cysteine, which is neutral and slightly polar, with tyrosine, which is neutral and polar, at codon 579 of the VARS2 protein (p.Cys579Tyr). This variant is not present in population databases (gnomAD no frequency). In summary, the available evidence is currently insufficient to determine the role of this variant in disease. Therefore, it has been classified as a Variant of Uncertain Significance. Algorithms developed to predict the effect of missense changes on protein structure and function (SIFT, PolyPhen-2, Align-GVGD) all suggest that this variant is likely to be tolerated. This variant has not been reported in the literature in individuals affected with VARS2-related conditions.

Ambry Genetics
Classification: Uncertain significance for Inborn genetic diseases. Last evaluated: 2021-05-24. Review status: criteria provided, single submitter. Criteria: Ambry Variant Classification Scheme 2023. Collection method: clinical testing. Allele origin: germline.